The following is an entry in ClinVar:

ClinVar aggregate classification (germline): Benign/Likely benign. Review status: criteria provided, multiple submitters, no conflicts (2 of 4 stars). 2 submissions from 2 submitters: Benign (1); Likely benign (1). Last evaluated 2024-09-04.

Conditions:
Hereditary cancer-predisposing syndrome. Also called: Neoplastic Syndromes, Hereditary; Hereditary Cancer Syndrome; Hereditary neoplastic syndrome; Tumor predisposition. Identifiers: Orphanet 140162, MedGen C0027672, MeSH D009386, MONDO:0015356.
Familial cancer of breast. Also called: Hereditary breast cancer; hereditary breast carcinoma; BREAST CANCER, FAMILIAL. Identifiers: Orphanet 227535, MedGen C0346153, MONDO:0016419, OMIM 114480. Disease mechanism: loss of function.

Submissions (2):

Myriad Genetics, Inc.
Classification: Benign for Familial cancer of breast. Last evaluated: 2024-09-04. Review status: criteria provided, single submitter. Criteria: Myriad Autosomal Dominant, Autosomal Recessive and X-Linked Classification Criteria (2023). Collection method: clinical testing. Allele origin: unknown.
Comment: This variant is considered benign. This variant is a silent/synonymous amino acid change and it is not expected to impact splicing.

Ambry Genetics
Classification: Likely benign for Hereditary cancer-predisposing syndrome. Last evaluated: 2023-06-05. Review status: criteria provided, single submitter. Criteria: Ambry Variant Classification Scheme 2023. Collection method: clinical testing. Allele origin: germline.

NM_032043.3(BRIP1):c.2259T>C (p.Asp753=)

Gene: BRIP1 (BRCA1 interacting DNA helicase 1; minus strand). Cytogenetic location: 17q23.2.
Variant type: single nucleotide variant.
Coding change: c.2259T>C on transcript NM_032043.3 (MANE Select); coding-DNA position 2259, T replaced by C.
Protein change: p.Asp753=; no amino-acid change (aspartic acid 753 retained).
Molecular consequence: synonymous variant.
Genome position (GRCh38, 1-based): chr17:61,743,133, A>G on the plus strand (T>C on the coding strand, the complement: BRIP1 is on the minus strand). VCF-style: chr17-61743133-A-G. GRCh37 (hg19) VCF-style: chr17-59820494-A-G.
Identifiers: ClinVar variation 2564611 (VCV002564611.3), dbSNP rs2077009355, ClinGen allele CA501151163.